The following is an entry in ClinVar:

ClinVar aggregate classification (germline): Uncertain significance (1 of 4 stars; one submission).

Submission:

Labcorp Genetics (formerly Invitae), Labcorp
Classification: Uncertain significance. Last evaluated: 2024-11-13. Review status: criteria provided, single submitter. Criteria: Invitae Variant Classification Sherloc (09022015). Collection method: clinical testing. Allele origin: germline.
Comment: This sequence change creates a premature translational stop signal (p.Gln308Lysfs*39) in the CASQ1 gene. While this is not anticipated to result in nonsense mediated decay, it is expected to disrupt the last 89 amino acid(s) of the CASQ1 protein. This variant is present in population databases (rs767673803, gnomAD 0.02%). This variant has not been reported in the literature in individuals affected with CASQ1-related conditions. Experimental studies and prediction algorithms are not available or were not evaluated, and the functional significance of this variant is currently unknown. In summary, the available evidence is currently insufficient to determine the role of this variant in disease. Therefore, it has been classified as a Variant of Uncertain Significance.

NM_001231.5(CASQ1):c.922del (p.Gln308fs)

Gene: CASQ1 (calsequestrin 1; plus strand). Cytogenetic location: 1q23.2.
Variant type: Deletion.
Coding change: c.922del on transcript NM_001231.5 (MANE Select); coding-DNA position 922, one base deleted (C; older notation c.922delC).
Protein change: p.Gln308fs; shifts the reading frame from glutamine 308.
Molecular consequence: frameshift variant.
Genome position (GRCh38, 1-based): chr1:160,198,991, C deleted; the last of 3 consecutive C bases (chr1:160,198,989-160,198,991); deleting any one gives the same sequence. VCF-style (leftmost placement, unchanged base first): chr1-160198988-GC-G. GRCh37 (hg19) VCF-style: chr1-160168778-GC-G.
Other names: short protein forms Q308fs.
Identifiers: ClinVar variation 3621319 (VCV003621319.2).
Genomic context (GRCh38, chr1:160,198,988, plus strand): 5'-ACCTTGTACTTGTGTTCCCTCCAAGATGGTTTCGAGTTCTTAGAGACTCTCAAGGCTGTG[GC>G]CCAAGATAACACTGAAAACCCAGATCTTAGCATCATCTGGATTGACCCTGATGACTTCCC-3'